The following is an entry in ClinVar:

ClinVar aggregate classification (germline): Uncertain significance (1 of 4 stars; one submission).

gnomAD v4.1: 5 of 1,613,972 alleles (0.00031%); highest among the groups gnomAD compares: South Asian, 0.0044%; no homozygotes.

Submission:

GeneDx
Classification: Uncertain significance. Last evaluated: 2024-05-09. Review status: criteria provided, single submitter. Criteria: GeneDx Variant Classification Process June 2021. Collection method: clinical testing. Allele origin: germline. Affected: yes.
Comment: In silico analysis indicates that this missense variant does not alter protein structure/function; Has not been previously published as pathogenic or benign to our knowledge

NM_001379081.2(FREM1):c.3604A>G (p.Ser1202Gly)

Gene: FREM1 (FRAS1 related extracellular matrix 1; minus strand). Cytogenetic location: 9p22.3.
Variant type: single nucleotide variant.
Coding change: c.3604A>G on transcript NM_001379081.2 (MANE Select); coding-DNA position 3604, A replaced by G.
Protein change: p.Ser1202Gly; replaces serine 1202 with glycine.
Molecular consequence: missense variant. On other transcripts: non-coding transcript variant (2).
Genome position (GRCh38, 1-based): chr9:14,801,742, T>C on the plus strand (A>G on the coding strand, the complement: FREM1 is on the minus strand). VCF-style: chr9-14801742-T-C. GRCh37 (hg19) VCF-style: chr9-14801740-T-C.
Other names: c.3604A>G, p.Ser1202Gly (NM_144966.7); short protein forms S1202G.
Identifiers: ClinVar variation 3378212 (VCV003378212.1).